The following is an entry in ClinVar:

ClinVar aggregate classification (germline): Uncertain significance (1 of 4 stars; one submission).

Allele frequency attached by ClinVar (database versions not stated): gnomAD exomes below 0.00001; TOPMed below 0.00001; ESP Exome Variant Server 0.00008.
gnomAD v4.1: 1 of 1,614,108 alleles (0.000062%); highest among the groups gnomAD compares: Non-Finnish European, 0.000085%; no homozygotes.

Submission:

Labcorp Genetics (formerly Invitae), Labcorp
Classification: Uncertain significance. Last evaluated: 2022-02-21. Review status: criteria provided, single submitter. Criteria: Invitae Variant Classification Sherloc (09022015). Collection method: clinical testing. Allele origin: germline.
Comment: This sequence change replaces alanine, which is neutral and non-polar, with threonine, which is neutral and polar, at codon 968 of the EFL1 protein (p.Ala968Thr). This variant is not present in population databases (gnomAD no frequency). This variant has not been reported in the literature in individuals affected with EFL1-related conditions. Algorithms developed to predict the effect of missense changes on protein structure and function are either unavailable or do not agree on the potential impact of this missense change (SIFT: "Deleterious"; PolyPhen-2: "Benign"; Align-GVGD: "Class C0"). In summary, the available evidence is currently insufficient to determine the role of this variant in disease. Therefore, it has been classified as a Variant of Uncertain Significance.

NM_024580.6(EFL1):c.2902G>A (p.Ala968Thr)

Gene: EFL1 (elongation factor like GTPase 1; minus strand). Cytogenetic location: 15q25.2.
Variant type: single nucleotide variant.
Coding change: c.2902G>A on transcript NM_024580.6 (MANE Select); coding-DNA position 2902, G replaced by A.
Protein change: p.Ala968Thr; replaces alanine 968 with threonine.
Molecular consequence: missense variant. On other transcripts: non-coding transcript variant (1).
Genome position (GRCh38, 1-based): chr15:82,151,552, C>T on the plus strand (G>A on the coding strand, the complement: EFL1 is on the minus strand). VCF-style: chr15-82151552-C-T. GRCh37 (hg19) VCF-style: chr15-82443893-C-T.
Other names: c.2749G>A, p.Ala917Thr (NM_001040610.3); c.2113G>A, p.Ala705Thr (NM_001322844.2); c.2902G>A, p.Ala968Thr (NM_001322845.2); short protein forms A917T, A705T, A968T.
Identifiers: ClinVar variation 2097278 (VCV002097278.3), dbSNP rs377682013, ClinGen allele CA273470569.